The following is an entry in ClinVar:

NM_003924.4(PHOX2B):c.835C>A (p.Pro279Thr)

Gene: PHOX2B (paired like homeobox 2B; minus strand). Cytogenetic location: 4p13.
Variant type: single nucleotide variant.
Coding change: c.835C>A on transcript NM_003924.4 (MANE Select); coding-DNA position 835, C replaced by A.
Protein change: p.Pro279Thr; replaces proline 279 with threonine.
Molecular consequence: missense variant.
Genome position (GRCh38, 1-based): chr4:41,745,917, G>T on the plus strand (C>A on the coding strand, the complement: PHOX2B is on the minus strand). VCF-style: chr4-41745917-G-T. GRCh37 (hg19) VCF-style: chr4-41747934-G-T.
Other names: short protein forms P279T.
Identifiers: ClinVar variation 1027349 (VCV001027349.8), dbSNP rs1733870407, ClinGen allele CA356737047.

ClinVar aggregate classification (germline): Uncertain significance (1 of 4 stars; one submission).

Conditions:
Haddad syndrome (OHD). Also called: Ondine-Hirschsprung disease. Identifiers: Orphanet 99803, MedGen C1859049, MONDO:0020493.

Submission:

Labcorp Genetics (formerly Invitae), Labcorp
Classification: Uncertain significance for Haddad syndrome. Last evaluated: 2020-10-01. Review status: criteria provided, single submitter. Criteria: Invitae Variant Classification Sherloc (09022015). Collection method: clinical testing. Allele origin: germline.
Comment: This sequence change replaces proline with threonine at codon 279 of the PHOX2B protein (p.Pro279Thr). The proline residue is moderately conserved and there is a small physicochemical difference between proline and threonine. This variant is not present in population databases (ExAC no frequency). This variant has not been reported in the literature in individuals with PHOX2B-related conditions. Algorithms developed to predict the effect of missense changes on protein structure and function are either unavailable or do not agree on the potential impact of this missense change (SIFT: "Tolerated"; PolyPhen-2: "Not Available"; Align-GVGD: "Class C0"). In summary, the available evidence is currently insufficient to determine the role of this variant in disease. Therefore, it has been classified as a Variant of Uncertain Significance.